The following is an entry in ClinVar:

ClinVar aggregate classification (germline): Conflicting classifications of pathogenicity. Review status: criteria provided, conflicting classifications (1 of 4 stars). 2 submissions from 2 submitters: Pathogenic (1); Uncertain significance (1). Last evaluated 2023-07-12.

Conditions:
Primary ciliary dyskinesia. Also called: Ciliary dyskinesia. Identifiers: Orphanet 244, MedGen C0008780, MONDO:0016575, HP:0012265.

Submissions (2):

Labcorp Genetics (formerly Invitae), Labcorp
Classification: Pathogenic for Primary ciliary dyskinesia. Last evaluated: 2023-07-12. Review status: criteria provided, single submitter. Criteria: Invitae Variant Classification Sherloc (09022015). Collection method: clinical testing. Allele origin: germline.
Comment: This sequence change creates a premature translational stop signal (p.Glu6*) in the RPGR gene. It is expected to result in an absent or disrupted protein product. Loss-of-function variants in RPGR are known to be pathogenic (PMID: 16055928, 16969763). This variant is not present in population databases (gnomAD no frequency). This variant has not been reported in the literature in individuals affected with RPGR-related conditions. For these reasons, this variant has been classified as Pathogenic.

Blueprint Genetics
Classification: Uncertain significance. Last evaluated: 2021-03-18. Review status: criteria provided, single submitter. Criteria: ACMG Guidelines, 2015. Collection method: clinical testing. Allele origin: germline.

Literature cited by the submitters: PubMed 16055928 (cited by Labcorp Genetics (formerly Invitae), Labcorp); PubMed 16969763 (cited by Labcorp Genetics (formerly Invitae), Labcorp).

NM_001034853.2(RPGR):c.16G>T (p.Glu6Ter)

Genes: RPGR (retinitis pigmentosa GTPase regulator; minus strand), LOC130068098 (ATAC-STARR-seq lymphoblastoid silent region 20735; plus strand). Cytogenetic location: Xp11.4.
Variant type: single nucleotide variant.
Coding change: c.16G>T on transcript NM_001034853.2 (MANE Select); coding-DNA position 16, G replaced by T.
Protein change: p.Glu6Ter; replaces glutamic acid 6 with a stop codon.
Molecular consequence: nonsense. On other transcripts: non-coding transcript variant (5).
Genome position (GRCh38, 1-based): chrX:38,327,352, C>A on the plus strand (G>T on the coding strand, the complement: RPGR is on the minus strand). VCF-style: chrX-38327352-C-A. GRCh37 (hg19) VCF-style: chrX-38186605-C-A.
Other names: c.16G>T, p.Glu6Ter (NM_000328.3, NM_001367245.1, NM_001367246.1 and 4 more transcripts); short protein forms E6*.
Identifiers: ClinVar variation 3021736 (VCV003021736.4), dbSNP rs1199553512, ClinGen allele CA412746904.